The following is an entry in ClinVar:

NM_003036.4(SKI):c.1987T>G (p.Tyr663Asp)

Gene: SKI (SKI proto-oncogene; plus strand). Cytogenetic location: 1p36.32.
Variant type: single nucleotide variant.
Coding change: c.1987T>G on transcript NM_003036.4 (MANE Select); coding-DNA position 1987, T replaced by G.
Protein change: p.Tyr663Asp; replaces tyrosine 663 with aspartic acid.
Molecular consequence: missense variant.
Genome position (GRCh38, 1-based): chr1:2,306,239, T>G. VCF-style: chr1-2306239-T-G. GRCh37 (hg19) VCF-style: chr1-2237678-T-G.
Other names: short protein forms Y663D.
Identifiers: ClinVar variation 4707503 (VCV004707503.1).
Genomic context (GRCh38, chr1:2,306,239, plus strand): 5'-CAGGCGCGGCAGGCCCGGGTGTGCGACAAGGGCTGCGAGGCGGGCCGCCTGCGCGCCAAG[T>G]ACTCGGCCCAGGTATGCGGGTGGGGAGACTGAGGCACGCAGCACGGTGGGCGTGGAGCCG-3'
Protein context (NP_003027.1, residues 653-673): GCEAGRLRAK[Tyr663Asp]SAQIEDLQVK

ClinVar aggregate classification (germline): Uncertain significance (1 of 4 stars; one submission).

Conditions:
Shprintzen-Goldberg syndrome (SGS). Also called: Marfanoid disorder with craniosynostosis type 1; Marfanoid craniosynostosis syndrome; Shprintzen-Goldberg marfanoid syndrome; SHPRINTZEN-GOLDBERG CRANIOSYNOSTOSIS SYNDROME; CRANIOSYNOSTOSIS WITH ARACHNODACTYLY AND ABDOMINAL HERNIAS. Identifiers: Orphanet 2462, MedGen C1321551, MONDO:0008426, OMIM 182212.

gnomAD v4.1: 6 of 1,555,000 alleles (0.00039%); highest among the groups gnomAD compares: Non-Finnish European, 0.00052%; no homozygotes.

Submission:

Labcorp Genetics (formerly Invitae), Labcorp
Classification: Uncertain significance for Shprintzen-Goldberg syndrome. Last evaluated: 2025-06-18. Review status: criteria provided, single submitter. Criteria: Invitae Variant Classification Sherloc (09022015). Collection method: clinical testing. Allele origin: germline.
Comment: This sequence change replaces tyrosine, which is neutral and polar, with aspartic acid, which is acidic and polar, at codon 663 of the SKI protein (p.Tyr663Asp). This variant is not present in population databases (gnomAD no frequency). This variant has not been reported in the literature in individuals affected with SKI-related conditions. Invitae Evidence Modeling of protein sequence and biophysical properties (such as structural, functional, and spatial information, amino acid conservation, physicochemical variation, residue mobility, and thermodynamic stability) indicates that this missense variant is expected to disrupt SKI protein function with a positive predictive value of 95%. In summary, the available evidence is currently insufficient to determine the role of this variant in disease. Therefore, it has been classified as a Variant of Uncertain Significance.